The following is an entry in ClinVar:

NM_020361.5(CPA6):c.676dup (p.Met226fs)

Genes: ARFGEF1-DT (ARFGEF1 divergent transcript; plus strand), CPA6 (carboxypeptidase A6; minus strand). Cytogenetic location: 8q13.2.
Variant type: Duplication.
Coding change: c.676dup on transcript NM_020361.5 (MANE Select); coding-DNA position 676, one base duplicated (A; older notation c.676dupA).
Protein change: p.Met226fs; shifts the reading frame from methionine 226.
Molecular consequence: frameshift variant.
Genome position (GRCh38, 1-based): chr8:67,484,750, T duplicated on the plus strand (A on the coding strand, the reverse complement: CPA6 is on the minus strand); the first of 5 consecutive T bases (chr8:67,484,750-67,484,754); duplicating any one gives the same sequence. VCF-style (leftmost placement, unchanged base first): chr8-67484749-A-AT. GRCh37 (hg19) VCF-style: chr8-68396984-A-AT.
Other names: short protein forms M226fs.
Identifiers: ClinVar variation 1056242 (VCV001056242.7), dbSNP rs2128961373, ClinGen allele CA2499219391.

ClinVar aggregate classification (germline): Uncertain significance (1 of 4 stars; one submission).

Conditions:
Febrile seizures, familial, 11 (FEB11). Also called: CONVULSIONS, FAMILIAL FEBRILE, 11. Identifiers: MedGen C3280734, MONDO:0024566, OMIM 614418.

Submission:

Labcorp Genetics (formerly Invitae), Labcorp
Classification: Uncertain significance for Febrile seizures, familial, 11. Last evaluated: 2020-07-07. Review status: criteria provided, single submitter. Criteria: Invitae Variant Classification Sherloc (09022015). Collection method: clinical testing. Allele origin: germline.
Comment: In summary, the available evidence is currently insufficient to determine the role of this variant in disease. Therefore, it has been classified as a Variant of Uncertain Significance. The current clinical and genetic evidence is not sufficient to establish whether loss-of-function variants in CPA6 cause disease. This variant has not been reported in the literature in individuals with CPA6-related conditions. This variant is not present in population databases (ExAC no frequency). This sequence change creates a premature translational stop signal (p.Met226Asnfs*14) in the CPA6 gene. It is expected to result in an absent or disrupted protein product.